The following is an entry in ClinVar:

ClinVar aggregate classification (germline): Uncertain significance (1 of 4 stars; one submission).

Conditions:
Ehlers-Danlos syndrome, classic type, 1 (EDSCL1). Also called: EHLERS-DANLOS SYNDROME, GRAVIS TYPE; EHLERS-DANLOS SYNDROME, SEVERE CLASSIC TYPE; Ehlers-Danlos syndrome, type 1; Ehlers-Danlos Syndrome, Classic Type, COL5A1-Related; EDS I. Identifiers: MedGen C0268335, MONDO:0019567, OMIM 130000.

Submission:

Labcorp Genetics (formerly Invitae), Labcorp
Classification: Uncertain significance for Ehlers-Danlos syndrome, classic type, 1. Last evaluated: 2024-09-14. Review status: criteria provided, single submitter. Criteria: Invitae Variant Classification Sherloc (09022015). Collection method: clinical testing. Allele origin: germline.
Comment: This sequence change replaces glycine, which is neutral and non-polar, with aspartic acid, which is acidic and polar, at codon 1273 of the COL5A1 protein (p.Gly1273Asp). This variant is not present in population databases (gnomAD no frequency). This variant has not been reported in the literature in individuals affected with COL5A1-related conditions. Invitae Evidence Modeling of protein sequence and biophysical properties (such as structural, functional, and spatial information, amino acid conservation, physicochemical variation, residue mobility, and thermodynamic stability) indicates that this missense variant is expected to disrupt COL5A1 protein function with a positive predictive value of 95%. This variant disrupts the triple helix domain of COL5A1. Glycine residues within the Gly-Xaa-Yaa repeats of the triple helix domain are required for the structure and stability of fibrillar collagens (PMID: 7695699, 8218237, 19344236), and variants at these glycine residues in COL5A1 are more frequently observed in individuals with disease than in the general population (PMID: 22696272, 23587214). However, the clinical significance of this observation remains uncertain since only a limited number of affected individuals have been described to date. In summary, the available evidence is currently insufficient to determine the role of this variant in disease. Therefore, it has been classified as a Variant of Uncertain Significance.

Literature cited by the submitters: PubMed 7695699; PubMed 8218237; PubMed 19344236; PubMed 22696272; PubMed 23587214.

NM_000093.5(COL5A1):c.3818G>A (p.Gly1273Asp)

Gene: COL5A1 (collagen type V alpha 1 chain; plus strand). Cytogenetic location: 9q34.3.
Variant type: single nucleotide variant.
Coding change: c.3818G>A on transcript NM_000093.5 (MANE Select); coding-DNA position 3818, G replaced by A.
Protein change: p.Gly1273Asp; replaces glycine 1273 with aspartic acid.
Molecular consequence: missense variant.
Genome position (GRCh38, 1-based): chr9:134,812,678, G>A. VCF-style: chr9-134812678-G-A. GRCh37 (hg19) VCF-style: chr9-137704524-G-A.
Other names: c.3818G>A, p.Gly1273Asp (NM_001278074.1); short protein forms G1273D.
Identifiers: ClinVar variation 3683618 (VCV003683618.2).